The following is an entry in ClinVar:

NM_001378454.1(ALMS1):c.3903_4072del (p.Leu1301fs)

Gene: ALMS1 (ALMS1 centrosome and basal body associated protein; plus strand). Cytogenetic location: 2p13.1.
Variant type: Deletion.
Coding change: c.3903_4072del on transcript NM_001378454.1 (MANE Select); coding-DNA positions 3903 to 4072, 170 bases deleted.
Protein change: p.Leu1301fs; shifts the reading frame from leucine 1301.
Molecular consequence: frameshift variant.
Genome position (GRCh38, 1-based): chr2:73,450,430-73,450,599, 170 bases deleted. GRCh37 (hg19): chr2:73,677,557-73,677,726.
Other names: c.3906_4075del, p.Leu1302fs (NM_015120.4); short protein forms L1301fs, L1302fs.
Identifiers: ClinVar variation 1460190 (VCV001460190.6), dbSNP rs2103780610, ClinGen allele CA2573135771.

ClinVar aggregate classification (germline): Pathogenic (1 of 4 stars; one submission).

Conditions:
Alstrom syndrome (ALMS). Identifiers: Orphanet 64, MedGen C0268425, MONDO:0008763, OMIM 203800.

Submission:

Labcorp Genetics (formerly Invitae), Labcorp
Classification: Pathogenic for Alstrom syndrome. Last evaluated: 2021-08-16. Review status: criteria provided, single submitter. Criteria: Invitae Variant Classification Sherloc (09022015). Collection method: clinical testing. Allele origin: germline.
Comment: This variant has not been reported in the literature in individuals affected with ALMS1-related conditions. For these reasons, this variant has been classified as Pathogenic. This variant is not present in population databases (ExAC no frequency). This sequence change creates a premature translational stop signal (p.Leu1302Phefs*8) in the ALMS1 gene. It is expected to result in an absent or disrupted protein product. Loss-of-function variants in ALMS1 are known to be pathogenic (PMID: 17594715).

Literature cited by the submitters: PubMed 17594715.